The following is an entry in ClinVar:

NM_001035.3(RYR2):c.9358G>C (p.Asp3120His)

Gene: RYR2 (ryanodine receptor 2; plus strand). Cytogenetic location: 1q43.
Variant type: single nucleotide variant.
Coding change: c.9358G>C on transcript NM_001035.3 (MANE Select); coding-DNA position 9358, G replaced by C.
Protein change: p.Asp3120His; replaces aspartic acid 3120 with histidine.
Molecular consequence: missense variant.
Genome position (GRCh38, 1-based): chr1:237,700,458, G>C. VCF-style: chr1-237700458-G-C. GRCh37 (hg19) VCF-style: chr1-237863758-G-C.
Other names: p.D3120H:GAC>CAC; c.9358G>C, p.Asp3120His (LRG_402t1); short protein forms D3120H.
Identifiers: ClinVar variation 201293 (VCV000201293.5), dbSNP rs794728764, ClinGen allele CA011181.

ClinVar aggregate classification (germline): Uncertain significance. Review status: criteria provided, multiple submitters, no conflicts (2 of 4 stars). 2 submissions from 2 submitters: Uncertain significance (2). Last evaluated 2023-05-29.

Conditions:
Catecholaminergic polymorphic ventricular tachycardia 1. Also called: RYR2-Related Catecholaminergic Polymorphic Ventricular Tachycardia; VENTRICULAR TACHYCARDIA, CATECHOLAMINERGIC POLYMORPHIC, 1, WITH OR WITHOUT ATRIAL DYSFUNCTION AND/OR DILATED CARDIOMYOPATHY; VENTRICULAR TACHYCARDIA, STRESS-INDUCED POLYMORPHIC 1. Identifiers: Orphanet 3286, MedGen C1631597, MONDO:0011484, OMIM 604772.

Submissions (2):

Labcorp Genetics (formerly Invitae), Labcorp
Classification: Uncertain significance for Catecholaminergic polymorphic ventricular tachycardia 1. Last evaluated: 2023-05-29. Review status: criteria provided, single submitter. Criteria: Invitae Variant Classification Sherloc (09022015). Collection method: clinical testing. Allele origin: germline.
Comment: In summary, the available evidence is currently insufficient to determine the role of this variant in disease. Therefore, it has been classified as a Variant of Uncertain Significance. Advanced modeling of protein sequence and biophysical properties (such as structural, functional, and spatial information, amino acid conservation, physicochemical variation, residue mobility, and thermodynamic stability) performed at Invitae indicates that this missense variant is not expected to disrupt RYR2 protein function. ClinVar contains an entry for this variant (Variation ID: 201293). This variant has not been reported in the literature in individuals affected with RYR2-related conditions. This variant is not present in population databases (gnomAD no frequency). This sequence change replaces aspartic acid, which is acidic and polar, with histidine, which is basic and polar, at codon 3120 of the RYR2 protein (p.Asp3120His).

GeneDx
Classification: Uncertain significance. Last evaluated: 2014-07-02. Review status: criteria provided, single submitter. Criteria: GeneDx Variant Classification (06012015). Collection method: clinical testing. Allele origin: germline. Affected: yes.
Comment: p.Asp3120His (GAC>CAC): c.9358 G>C in exon 65 of the RYR2 gene (NM_001035.2). The D3120H variant has not been published as a mutation, nor has it been reported as a benign polymorphism to our knowledge. The D3120H variant was not observed in approximately 5900 individuals of European and African American ancestry in the NHLBI Exome Sequencing Project, indicating it is not a common benign variant in these populations. The D3120H variant is a non-conservative amino acid substitution, which is likely to impact secondary protein structure as these residues differ in polarity, charge, size and/or other properties. This substitution occurs at a position that is conserved across species. In silico analysis predicts this variant is probably damaging to the protein structure/function. However, missense mutations in nearby residues have not been reported in association with arrhythmias. Therefore, based on the currently available information, it is unclear whether this variant is a pathogenic mutation or a rare benign variant. The variant is found in ARRHYTHMIA panel(s).